The following is an entry in ClinVar:

NM_006267.5(RANBP2):c.2955G>A (p.Pro985=)

Gene: RANBP2 (RAN binding protein 2; plus strand). Cytogenetic location: 2q13.
Variant type: single nucleotide variant.
Coding change: c.2955G>A on transcript NM_006267.5 (MANE Select); coding-DNA position 2955, G replaced by A.
Protein change: p.Pro985=; no amino-acid change (proline 985 retained).
Molecular consequence: synonymous variant.
Genome position (GRCh38, 1-based): chr2:108,763,494, G>A. VCF-style: chr2-108763494-G-A. GRCh37 (hg19) VCF-style: chr2-109379950-G-A.
Identifiers: ClinVar variation 382463 (VCV000382463.13), dbSNP rs61748147, ClinGen allele CA1822845.

ClinVar aggregate classification (germline): Benign. Review status: criteria provided, multiple submitters, no conflicts (2 of 4 stars). 3 submissions from 3 submitters: Benign (3). Last evaluated 2026-01-15.

Conditions:
Familial acute necrotizing encephalopathy (IIAE3). Also called: ENCEPHALOPATHY, ACUTE, INFECTION-INDUCED, SUSCEPTIBILITY TO, 3; Susceptibility to Acute Necrotizing Encephalopathy 1. Identifiers: Orphanet 88619, MedGen C2675556, MONDO:0011953, OMIM 608033.

Allele frequency attached by ClinVar (database versions not stated): gnomAD 0.00417 and 0.00495; ESP Exome Variant Server 0.00500; TOPMed 0.00504; gnomAD exomes 0.00720 and 0.00801; ExAC 0.00825; 1000 Genomes Project 0.01038; 1000 Genomes Project 30x 0.01077.
gnomAD v4.1: 11,256 of 1,614,010 alleles (0.7%); highest among the groups gnomAD compares: East Asian, 3.3%; 92 homozygotes.

Submissions (3):

Labcorp Genetics (formerly Invitae), Labcorp
Classification: Benign for Familial acute necrotizing encephalopathy. Last evaluated: 2026-01-15. Review status: criteria provided, single submitter. Criteria: Invitae Variant Classification Sherloc (09022015). Collection method: clinical testing. Allele origin: germline.

GeneDx
Classification: Benign. Last evaluated: 2016-03-22. Review status: criteria provided, single submitter. Criteria: GeneDx Variant Classification (06012015). Collection method: clinical testing. Allele origin: germline. Affected: yes.
Comment: This variant is considered likely benign or benign based on one or more of the following criteria: it is a conservative change, it occurs at a poorly conserved position in the protein, it is predicted to be benign by multiple in silico algorithms, and/or has population frequency not consistent with disease.

Breakthrough Genomics
Classification: Benign. Review status: criteria provided, single submitter. Criteria: ACMG Guidelines, 2015. Collection method: not provided. Allele origin: germline. Inheritance: Autosomal dominant inheritance. Affected: yes.